The following is an entry in ClinVar:

NM_003334.4(UBA1):c.1963C>A (p.Leu655Ile)

Gene: UBA1 (ubiquitin like modifier activating enzyme 1; plus strand). Cytogenetic location: Xp11.3.
Variant type: single nucleotide variant.
Coding change: c.1963C>A on transcript NM_003334.4 (MANE Select); coding-DNA position 1963, C replaced by A.
Protein change: p.Leu655Ile; replaces leucine 655 with isoleucine.
Molecular consequence: missense variant.
Genome position (GRCh38, 1-based): chrX:47,209,647, C>A. VCF-style: chrX-47209647-C-A. GRCh37 (hg19) VCF-style: chrX-47069046-C-A.
Other names: c.1963C>A, p.Leu655Ile (NM_153280.3); short protein forms L655I.
Identifiers: ClinVar variation 1783480 (VCV001783480.6), dbSNP rs782489505, ClinGen allele CA10396049.

ClinVar aggregate classification (germline): Uncertain significance. Review status: criteria provided, multiple submitters, no conflicts (2 of 4 stars). 2 submissions from 2 submitters: Uncertain significance (2). Last evaluated 2025-10-21.

Conditions:
Infantile-onset X-linked spinal muscular atrophy. Also called: AMC, DISTAL, X-LINKED; ARTHROGRYPOSIS, X-LINKED, TYPE I; SPINAL MUSCULAR ATROPHY, X-LINKED LETHAL INFANTILE; Spinal Muscular Atrophy, X-Linked Infantile; Spinal muscular atrophy, X-linked 2. Identifiers: Orphanet 1145, MedGen C1844934, MONDO:0010532, OMIM 301830.
Inborn genetic diseases. Identifiers: MedGen C0950123, MeSH D030342.

Allele frequency attached by ClinVar (database versions not stated): gnomAD exomes below 0.00001; ExAC 0.00001; gnomAD 0.00001; TOPMed 0.00001.
gnomAD v4.1: 3 of 1,210,004 alleles (0.00025%); highest among the groups gnomAD compares: Non-Finnish European, 0.00034%; no homozygotes.

Submissions (2):

Ambry Genetics
Classification: Uncertain significance for Inborn genetic diseases. Last evaluated: 2025-10-21. Review status: criteria provided, single submitter. Criteria: Ambry Variant Classification Scheme 2023. Collection method: clinical testing. Allele origin: germline.
Comment: The c.1963C>A (p.L655I) alteration is located in exon 17 (coding exon 16) of the UBA1 gene. This alteration results from a C to A substitution at nucleotide position 1963, causing the leucine (L) at amino acid position 655 to be replaced by an isoleucine (I). Based on data from gnomAD, the A allele has an overall frequency of <0.001% (1/183395) total alleles studied. The highest observed frequency was 0.001% (1/81900) of European (non-Finnish) alleles. Based on insufficient or conflicting evidence, the clinical significance of this alteration remains unclear.

Labcorp Genetics (formerly Invitae), Labcorp
Classification: Uncertain significance for Infantile-onset X-linked spinal muscular atrophy. Last evaluated: 2024-07-03. Review status: criteria provided, single submitter. Criteria: Invitae Variant Classification Sherloc (09022015). Collection method: clinical testing. Allele origin: germline.
Comment: This sequence change replaces leucine, which is neutral and non-polar, with isoleucine, which is neutral and non-polar, at codon 655 of the UBA1 protein (p.Leu655Ile). This variant is present in population databases (rs782489505, gnomAD 0.001%). This variant has not been reported in the literature in individuals affected with UBA1-related conditions. ClinVar contains an entry for this variant (Variation ID: 1783480). An algorithm developed to predict the effect of missense changes on protein structure and function (PolyPhen-2) suggests that this variant is likely to be disruptive. In summary, the available evidence is currently insufficient to determine the role of this variant in disease. Therefore, it has been classified as a Variant of Uncertain Significance.